The following is an entry in ClinVar:

ClinVar aggregate classification (germline): Pathogenic/Likely pathogenic. Review status: criteria provided, multiple submitters, no conflicts (2 of 4 stars). 2 submissions from 2 submitters: Pathogenic (1); Likely pathogenic (1). Last evaluated 2025-07-13.

Conditions:
Hereditary breast ovarian cancer syndrome. Also called: Hereditary breast and ovarian cancer syndrome; Hereditary breast and ovarian cancer syndrome (HBOC); Hereditary breast and/or ovarian cancer syndrome; Hereditary breast and ovarian cancer; BRCA1- and BRCA2-Associated Hereditary Breast and Ovarian Cancer; Breast and ovarian cancer. Identifiers: Orphanet 145, MedGen C0677776, MeSH D061325, MONDO:0003582. Disease mechanism: loss of function.

Submissions (2):

Labcorp Genetics (formerly Invitae), Labcorp
Classification: Pathogenic for Hereditary breast ovarian cancer syndrome. Last evaluated: 2025-07-13. Review status: criteria provided, single submitter. Criteria: Invitae Variant Classification Sherloc (09022015). Collection method: clinical testing. Allele origin: germline.
Comment: This sequence change creates a premature translational stop signal (p.Thr557Argfs*2) in the BRCA1 gene. It is expected to result in an absent or disrupted protein product. Loss-of-function variants in BRCA1 are known to be pathogenic (PMID: 20104584). This variant is not present in population databases (gnomAD no frequency). This variant has not been reported in the literature in individuals affected with BRCA1-related conditions. ClinVar contains an entry for this variant (Variation ID: 933210). For these reasons, this variant has been classified as Pathogenic.

Women's Health and Genetics/Laboratory Corporation of America, LabCorp
Classification: Likely pathogenic for Hereditary breast and ovarian cancer syndrome. Last evaluated: 2020-06-16. Review status: criteria provided, single submitter. Criteria: LabCorp Variant Classification Summary - May 2015. Collection method: clinical testing. Allele origin: germline.
Comment: Variant summary: BRCA1 c.1670_1674delCAAAA (p.Thr557ArgfsX2) results in a premature termination codon, predicted to cause a truncation of the encoded protein or absence of the protein due to nonsense mediated decay, which are commonly known mechanisms for disease. Truncations downstream of this position have been classified as pathogenic by our laboratory. The variant was absent in 250426 control chromosomes. c.1670_1674delCAAAA has not been reported in the literature in individuals affected with Hereditary Breast And Ovarian Cancer Syndrome. To our knowledge, no experimental evidence demonstrating an impact on protein function has been reported. No clinical diagnostic laboratories have submitted clinical-significance assessments for this variant to ClinVar after 2014. Based on the evidence outlined above, the variant was classified as likely pathogenic.

Literature cited by the submitters: PubMed 20104584 (cited by Labcorp Genetics (formerly Invitae), Labcorp); PubMed 27739435 (cited by Women's Health and Genetics/Laboratory Corporation of America, LabCorp).

NM_007294.4(BRCA1):c.1670_1674del (p.Thr557fs)

Gene: BRCA1 (BRCA1 DNA repair associated; minus strand). Cytogenetic location: 17q21.31.
Variant type: Deletion.
Coding change: c.1670_1674del on transcript NM_007294.4 (MANE Select); coding-DNA positions 1670 to 1674, 5 bases deleted (CAAAA; older notation c.1670_1674delCAAAA).
Protein change: p.Thr557fs; shifts the reading frame from threonine 557.
Molecular consequence: frameshift variant. On other transcripts: intron variant (137).
Genome position (GRCh38, 1-based): chr17:43,093,857-43,093,861, TTTTG deleted on the plus strand (CAAAA on the coding strand, the reverse complement: BRCA1 is on the minus strand); deleting any 5 consecutive bases within chr17:43,093,857-43,093,865 gives the same sequence; the c. name uses the placement nearest the transcript's 3' end. VCF-style (leftmost placement, unchanged base first): chr17-43093856-CTTTTG-C. GRCh37 (hg19) VCF-style: chr17-41245873-CTTTTG-C.
Other names: c.1529_1533del, p.Thr510fs (NM_001407738.1, NM_001407739.1, NM_001407751.1 and 29 more transcripts); c.1526_1530del, p.Thr509fs (NM_001407740.1, NM_001407741.1, NM_001407742.1 and 20 more transcripts); c.1457_1461del, p.Thr486fs (NM_001407853.1, NM_001407897.1, NM_001407898.1 and 9 more transcripts); c.1670_1674del, p.Thr557fs (NM_001407854.1, NM_007300.4, NM_001407581.1 and 30 more transcripts); c.1460_1464del, p.Thr487fs (NM_001407900.1, NM_001407902.1, NM_001407904.1 and 13 more transcripts); c.1547_1551del, p.Thr516fs (NM_001407919.1, NM_001407937.1, NM_001407938.1 and 19 more transcripts); c.1406_1410del, p.Thr469fs (NM_001407920.1, NM_001407921.1, NM_001407922.1 and 9 more transcripts); c.1403_1407del, p.Thr468fs (NM_001407930.1, NM_001407931.1, NM_001407932.1 and 2 more transcripts); and 41 more; short protein forms T557fs, T510fs, T430fs, T468fs, T469fs, T489fs, T490fs, T556fs.
Identifiers: ClinVar variation 933210 (VCV000933210.3), dbSNP rs2053902770, ClinGen allele CA1139664791.
Genomic context (GRCh38, chr17:43,093,856, plus strand): 5'-CAGATTCTTTTTCGAGTGATTCTATTGGGTTAGGATTTTTCTCATTCTGAATAGAATCAC[CTTTTG>C]TTTTATTCTCATGACCACTATTAGTAATATTCATCACTTGACCATTCTGCTCCGTTTGGT-3'